The following is an entry in ClinVar:

NC_000009.11:g.(?_12702251)_(12704725_?)del

Gene: TYRP1 (tyrosinase related protein 1; plus strand). Cytogenetic location: 9p23.
Variant type: Deletion.
Identifiers: ClinVar variation 3245287 (VCV003245287.1).

ClinVar aggregate classification (germline): Pathogenic (1 of 4 stars; one submission).

Submission:

Labcorp Genetics (formerly Invitae), Labcorp
Classification: Pathogenic. Last evaluated: 2023-04-16. Review status: criteria provided, single submitter. Criteria: Invitae Variant Classification Sherloc (09022015). Collection method: clinical testing. Allele origin: unknown.
Comment: For these reasons, this variant has been classified as Pathogenic. This variant disrupts a region of the TYRP1 protein in which other variant(s) (p.Arg356Gln) have been determined to be pathogenic (PMID: 16704458, 21739261, 28266639). This suggests that this is a clinically significant region of the protein, and that variants that disrupt it are likely to be disease-causing. This variant has not been reported in the literature in individuals affected with TYRP1-related conditions. This variant is a gross deletion of the genomic region encompassing exon(s) 5-6 of the TYRP1 gene. This variant would be expected to be in-frame, preserving the integrity of the reading frame.

Literature cited by the submitters: PubMed 16704458; PubMed 21739261; PubMed 28266639.